The following is an entry in ClinVar:

ClinVar aggregate classification (germline): Benign/Likely benign. Review status: criteria provided, multiple submitters, no conflicts (2 of 4 stars). 5 submissions from 5 submitters: Benign (2); Likely benign (3). Last evaluated 2026-02-03.

Conditions:
Ovarian cancer. Also called: OVARIAN CANCER, SOMATIC. Identifiers: Orphanet 213500, MedGen C1140680, MONDO:0008170, OMIM 167000.
Lung carcinoma. Identifiers: MedGen C0684249, MONDO:0005138.
EGFR-related lung cancer (EGFR). Identifiers: MedGen CN130014.
Hereditary cancer-predisposing syndrome. Also called: Tumor predisposition; Hereditary Cancer Syndrome; Hereditary neoplastic syndrome; Neoplastic Syndromes, Hereditary. Identifiers: Orphanet 140162, MedGen C0027672, MeSH D009386, MONDO:0015356.

Allele frequency attached by ClinVar (database versions not stated): gnomAD 0.00007 and 0.00009; TOPMed 0.00008; ESP Exome Variant Server 0.00015; 1000 Genomes Project 30x 0.00031; gnomAD exomes 0.00031; ExAC 0.00033; 1000 Genomes Project 0.00040.
gnomAD v4.1: 156 of 1,614,174 alleles (0.0097%); highest among the groups gnomAD compares: East Asian, 0.085%; no homozygotes.

Submissions (5):

Labcorp Genetics (formerly Invitae), Labcorp
Classification: Likely benign for EGFR-related lung cancer. Last evaluated: 2026-02-03. Review status: criteria provided, single submitter. Criteria: Invitae Variant Classification Sherloc (09022015). Collection method: clinical testing. Allele origin: germline.

Ambry Genetics
Classification: Benign for Hereditary cancer-predisposing syndrome. Last evaluated: 2024-08-23. Review status: criteria provided, single submitter. Criteria: Ambry Variant Classification Scheme 2023. Collection method: clinical testing. Allele origin: germline.

CeGaT Center for Human Genetics Tuebingen
Classification: Likely benign. Last evaluated: 2023-06-01. Review status: criteria provided, single submitter. Criteria: CeGaT Center For Human Genetics Tuebingen Variant Classification Criteria Version 2. Collection method: clinical testing. Allele origin: germline. Affected: yes. Observed: 1 variant allele.
Comment: EGFR: BS3:Supporting

Laboratory of Molecular Epidemiology of Birth Defects, West China Second University Hospital, Sichuan University
Classification: Benign for Ovarian cancer. Last evaluated: 2022-01-01. Review status: criteria provided, single submitter. Criteria: ACMG Guidelines, 2015. Collection method: clinical testing. Allele origin: germline. Affected: yes.

Mendelics
Classification: Likely benign for Lung cancer. Last evaluated: 2019-05-28. Review status: criteria provided, single submitter. Criteria: Mendelics Assertion Criteria 2017. Collection method: clinical testing. Allele origin: unknown.

NM_005228.5(EGFR):c.1774G>A (p.Val592Ile)

Gene: EGFR (epidermal growth factor receptor; plus strand). Cytogenetic location: 7p11.2.
Variant type: single nucleotide variant.
Coding change: c.1774G>A on transcript NM_005228.5 (MANE Select); coding-DNA position 1774, G replaced by A.
Protein change: p.Val592Ile; replaces valine 592 with isoleucine.
Molecular consequence: missense variant.
Genome position (GRCh38, 1-based): chr7:55,165,331, G>A. VCF-style: chr7-55165331-G-A. GRCh37 (hg19) VCF-style: chr7-55233024-G-A.
Other names: c.1774G>A (NM_005228.4, NM_005228.3); c.1639G>A, p.Val547Ile (NM_001346897.2, NM_001346899.2); c.1774G>A, p.Val592Ile (NM_001346898.2, NM_201282.2, NM_201284.2); c.1615G>A, p.Val539Ile (NM_001346900.2); c.973G>A, p.Val325Ile (NM_001346941.2); short protein forms V592I, V325I, V539I, V547I.
Identifiers: ClinVar variation 584689 (VCV000584689.38), dbSNP rs144943614, ClinGen allele CA4265691.
Genomic context (GRCh38, chr7:55,165,331, plus strand): 5'-TTGGTGCAGGGACCAGACAACTGTATCCAGTGTGCCCACTACATTGACGGCCCCCACTGC[G>A]TCAAGACCTGCCCGGCAGGAGTCATGGGAGAAAACAACACCCTGGTCTGGAAGTACGCAG-3'
Protein context (NP_005219.2, residues 582-602): CAHYIDGPHC[Val592Ile]KTCPAGVMGE